The following is an entry in ClinVar:

NM_000361.3(THBD):c.1331A>G (p.Glu444Gly)

Gene: THBD (thrombomodulin; minus strand). Cytogenetic location: 20p11.21.
Variant type: single nucleotide variant.
Coding change: c.1331A>G on transcript NM_000361.3 (MANE Select); coding-DNA position 1331, A replaced by G.
Protein change: p.Glu444Gly; replaces glutamic acid 444 with glycine.
Molecular consequence: missense variant.
Genome position (GRCh38, 1-based): chr20:23,048,174, T>C on the plus strand (A>G on the coding strand, the complement: THBD is on the minus strand). VCF-style: chr20-23048174-T-C. GRCh37 (hg19) VCF-style: chr20-23028811-T-C.
Other names: short protein forms E444G.
Identifiers: ClinVar variation 4280549 (VCV004280549.1).
Genomic context (GRCh38, chr20:23,048,174, plus strand): 5'-CACTCGAAGGTACCGGGGAGGTTGTGGCACACCCCGGAGCAGAAGCCGCCGTTTTCGCAC[T>C]CGTCGATGTCCGTGCAGATGAAACCGTCGTCCAGGATGTAGCCTTCAGGGCACTCACAGC-3'
Protein context (NP_000352.1, residues 434-454): DDGFICTDID[Glu444Gly]CENGGFCSGV

ClinVar aggregate classification (germline): Uncertain significance (1 of 4 stars; one submission).

Conditions:
Thrombomodulin-related bleeding disorder (THPH12). Also called: Thrombophilia due to thrombomodulin defect. Identifiers: Orphanet 436169, MedGen C3280976, MONDO:0013775, OMIM 614486.

gnomAD v4.1: 8 of 1,614,004 alleles (0.0005%); highest among the groups gnomAD compares: Non-Finnish European, 0.00051%; no homozygotes.

Submission:

Genomenon, Inc
Classification: Uncertain significance for Thrombomodulin-related bleeding disorder. Last evaluated: 2025-09-22. Review status: criteria provided, single submitter. Criteria: Genomenon Sequence Variant Interpretation Standards - Updated. Collection method: curation. Allele origin: germline. Affected: no.
Comment: THBD p.Glu444Gly (c.1331A>G) is a missense variant that changes the amino acid at residue 444 from Glutamic acid to Glycine. This variant has been reported in the published literature (PMID:34970867). It is absent or not present at a significant frequency in gnomAD. In silico models agree that this variant is possibly or probably damaging. In conclusion, we classify THBD p.Glu444Gly (c.1331A>G) as a variant of unknown significance.

Literature cited by the submitters: PubMed 34970867.